The following is an entry in ClinVar:

ClinVar aggregate classification (germline): Conflicting classifications of pathogenicity. Review status: criteria provided, conflicting classifications (1 of 4 stars). 2 submissions from 2 submitters: Uncertain significance (1); Likely benign (1). Last evaluated 2025-03-25.

Conditions:
Congenital disorder of deglycosylation (CDDG). Identifiers: MedGen C3808991, MONDO:0031376.
Inborn genetic diseases. Identifiers: MedGen C0950123, MeSH D030342.

Allele frequency attached by ClinVar (database versions not stated): gnomAD exomes 0.00001; gnomAD 0.00001; ExAC 0.00002; TOPMed 0.00002; ESP Exome Variant Server 0.00008.
gnomAD v4.1: 4 of 1,613,934 alleles (0.00025%); highest among the groups gnomAD compares: African/African-American, 0.0053%; no homozygotes.

Submissions (2):

Ambry Genetics
Classification: Likely benign for Inborn genetic diseases. Last evaluated: 2025-03-25. Review status: criteria provided, single submitter. Criteria: Ambry Variant Classification Scheme 2023. Collection method: clinical testing. Allele origin: germline.

Labcorp Genetics (formerly Invitae), Labcorp
Classification: Uncertain significance for Congenital disorder of deglycosylation. Last evaluated: 2022-06-29. Review status: criteria provided, single submitter. Criteria: Invitae Variant Classification Sherloc (09022015). Collection method: clinical testing. Allele origin: germline.
Comment: This sequence change replaces histidine, which is basic and polar, with glutamine, which is neutral and polar, at codon 243 of the NGLY1 protein (p.His243Gln). This variant is present in population databases (rs371573253, gnomAD 0.01%). This variant has not been reported in the literature in individuals affected with NGLY1-related conditions. ClinVar contains an entry for this variant (Variation ID: 1017691). Algorithms developed to predict the effect of missense changes on protein structure and function output the following: SIFT: "Tolerated"; PolyPhen-2: "Benign"; Align-GVGD: "Class C0". The glutamine amino acid residue is found in multiple mammalian species, which suggests that this missense change does not adversely affect protein function. Algorithms developed to predict the effect of sequence changes on RNA splicing suggest that this variant may create or strengthen a splice site. In summary, the available evidence is currently insufficient to determine the role of this variant in disease. Therefore, it has been classified as a Variant of Uncertain Significance.

NM_018297.4(NGLY1):c.729C>G (p.His243Gln)

Gene: NGLY1 (N-glycanase 1; minus strand). Cytogenetic location: 3p24.2.
Variant type: single nucleotide variant.
Coding change: c.729C>G on transcript NM_018297.4 (MANE Select); coding-DNA position 729, C replaced by G.
Protein change: p.His243Gln; replaces histidine 243 with glutamine.
Molecular consequence: missense variant.
Genome position (GRCh38, 1-based): chr3:25,739,729, G>C on the plus strand (C>G on the coding strand, the complement: NGLY1 is on the minus strand). VCF-style: chr3-25739729-G-C. GRCh37 (hg19) VCF-style: chr3-25781220-G-C.
Other names: c.729C>G, p.His243Gln (NM_001145293.2, NM_001145295.2); c.603C>G, p.His201Gln (NM_001145294.2); c.729C>G (NM_018297.3); short protein forms H201Q, H243Q.
Identifiers: ClinVar variation 1017691 (VCV001017691.3), dbSNP rs371573253, ClinGen allele CA2289394.